The following is an entry in ClinVar:

NM_000257.4(MYH7):c.5414T>C (p.Leu1805Pro)

Gene: MYH7 (myosin heavy chain 7; minus strand). Cytogenetic location: 14q11.2.
Variant type: single nucleotide variant.
Coding change: c.5414T>C on transcript NM_000257.4 (MANE Select); coding-DNA position 5414, T replaced by C.
Protein change: p.Leu1805Pro; replaces leucine 1805 with proline.
Molecular consequence: missense variant.
Genome position (GRCh38, 1-based): chr14:23,415,140, A>G on the plus strand (T>C on the coding strand, the complement: MYH7 is on the minus strand). VCF-style: chr14-23415140-A-G. GRCh37 (hg19) VCF-style: chr14-23884349-A-G.
Other names: short protein forms L1805P.
Identifiers: ClinVar variation 1488975 (VCV001488975.6), dbSNP rs2138638382, ClinGen allele CA389035513.

ClinVar aggregate classification (germline): Likely pathogenic (1 of 4 stars; one submission).

Conditions:
Hypertrophic cardiomyopathy. Also called: HYPERTROPHIC MYOCARDIOPATHY. Identifiers: Orphanet 217569, MedGen C0007194, MeSH D002312, MONDO:0005045, HP:0001639.

Submission:

Labcorp Genetics (formerly Invitae), Labcorp
Classification: Likely pathogenic for Hypertrophic cardiomyopathy. Last evaluated: 2021-11-30. Review status: criteria provided, single submitter. Criteria: Invitae Variant Classification Sherloc (09022015). Collection method: clinical testing. Allele origin: germline.
Comment: In summary, the currently available evidence indicates that the variant is pathogenic, but additional data are needed to prove that conclusively. Therefore, this variant has been classified as Likely Pathogenic. Algorithms developed to predict the effect of missense changes on protein structure and function are either unavailable or do not agree on the potential impact of this missense change (SIFT: "Deleterious"; PolyPhen-2: "Possibly Damaging"; Align-GVGD: "Class C0"). This missense change has been observed in individual(s) with dilated cardiomyopathy (Invitae). In at least one individual the variant was observed to be de novo. This variant is not present in population databases (gnomAD no frequency). This sequence change replaces leucine, which is neutral and non-polar, with proline, which is neutral and non-polar, at codon 1805 of the MYH7 protein (p.Leu1805Pro).